The following is an entry in ClinVar:

ClinVar aggregate classification (germline): Benign (1 of 4 stars; one submission).

Conditions:
Lynch syndrome 5 (LYNCH5). Also called: Colorectal cancer, hereditary nonpolyposis, type 5; Hereditary non-polyposis colorectal cancer, type 5. Identifiers: Orphanet 144, MedGen C1833477, MONDO:0013710, OMIM 614350. Disease mechanism: loss of function.

gnomAD v4.1: 1 of 1,611,626 alleles (0.000062%); highest among the groups gnomAD compares: Non-Finnish European, 0.000085%; no homozygotes.

Submission:

Myriad Genetics, Inc.
Classification: Benign for Lynch syndrome 5. Last evaluated: 2024-12-19. Review status: criteria provided, single submitter. Criteria: Myriad Autosomal Dominant, Autosomal Recessive and X-Linked Classification Criteria (2023). Collection method: clinical testing. Allele origin: unknown.
Comment: This variant is considered benign. This variant is a silent/synonymous amino acid change and it is not expected to impact splicing.

NM_000179.3(MSH6):c.648A>G (p.Thr216=)

Gene: MSH6 (mutS homolog 6; plus strand). Cytogenetic location: 2p16.3.
Variant type: single nucleotide variant.
Coding change: c.648A>G on transcript NM_000179.3 (MANE Select); coding-DNA position 648, A replaced by G.
Protein change: p.Thr216=; no amino-acid change (threonine 216 retained).
Molecular consequence: synonymous variant. On other transcripts: 5 prime UTR variant (9), non-coding transcript variant (4), intron variant (1).
Genome position (GRCh38, 1-based): chr2:47,798,631, A>G. VCF-style: chr2-47798631-A-G. GRCh37 (hg19) VCF-style: chr2-48025770-A-G.
Other names: c.258A>G, p.Thr86= (NM_001281492.2); c.-259A>G (NM_001281493.2, NM_001281494.2, NM_001406811.1 and 6 more transcripts); c.744A>G, p.Thr248= (NM_001406795.1, NM_001406802.1); c.648A>G, p.Thr216= (NM_001406796.1, NM_001406798.1, NM_001406800.1 and 4 more transcripts); c.351A>G, p.Thr117= (NM_001406797.1, NM_001406801.1, NM_001406805.1 and 10 more transcripts); c.123A>G, p.Thr41= (NM_001406799.1, NM_001406806.1, NM_001406807.1); c.570A>G, p.Thr190= (NM_001406804.1); c.654A>G, p.Thr218= (NM_001406813.1); and 2 more.
Identifiers: ClinVar variation 3903646 (VCV003903646.1).